The following is an entry in ClinVar:

NM_000551.4(VHL):c.222C>T (p.Val74=)

Gene: VHL (von Hippel-Lindau tumor suppressor; plus strand). Cytogenetic location: 3p25.3.
Variant type: single nucleotide variant.
Coding change: c.222C>T on transcript NM_000551.4 (MANE Select); coding-DNA position 222, C replaced by T.
Protein change: p.Val74=; no amino-acid change (valine 74 retained).
Molecular consequence: synonymous variant.
Genome position (GRCh38, 1-based): chr3:10,142,069, C>T. VCF-style: chr3-10142069-C-T. GRCh37 (hg19) VCF-style: chr3-10183753-C-T.
Other names: c.222C>T (NM_000551.3); c.222C>T, p.Val74= (NM_001354723.2, NM_198156.3).
Identifiers: ClinVar variation 1120822 (VCV001120822.12), dbSNP rs759737367, ClinGen allele CA432536431.

ClinVar aggregate classification (germline): Benign/Likely benign. Review status: criteria provided, multiple submitters, no conflicts (2 of 4 stars). 3 submissions from 3 submitters: Benign (1); Likely benign (2). Last evaluated 2025-06-10.

Conditions:
Chuvash polycythemia. Also called: POLYCYTHEMIA, VHL-DEPENDENT. Identifiers: Orphanet 238557, MedGen C1837915, MONDO:0009892, OMIM 263400.
Von Hippel-Lindau syndrome (VHLS). Also called: Von Hippel-Lindau; von Hippel–Lindau syndrome; VHL syndrome. Identifiers: Orphanet 892, MedGen C0019562, MONDO:0008667, OMIM 193300. Disease mechanism: loss of function.
Hereditary cancer-predisposing syndrome. Also called: Neoplastic Syndromes, Hereditary; Hereditary Cancer Syndrome; Hereditary neoplastic syndrome; Tumor predisposition. Identifiers: Orphanet 140162, MedGen C0027672, MeSH D009386, MONDO:0015356.

Submissions (3):

Myriad Genetics, Inc.
Classification: Benign for Von Hippel-Lindau syndrome. Last evaluated: 2025-06-10. Review status: criteria provided, single submitter. Criteria: Myriad Autosomal Dominant, Autosomal Recessive and X-Linked Classification Criteria (2023). Collection method: clinical testing. Allele origin: unknown.
Comment: This variant is considered benign. This variant is a silent/synonymous amino acid change and it is not expected to impact splicing.

Ambry Genetics
Classification: Likely benign for Hereditary cancer-predisposing syndrome. Last evaluated: 2023-07-26. Review status: criteria provided, single submitter. Criteria: Ambry Variant Classification Scheme 2023. Collection method: clinical testing. Allele origin: germline.

Labcorp Genetics (formerly Invitae), Labcorp
Classification: Likely benign for Von Hippel-Lindau syndrome; Chuvash polycythemia. Last evaluated: 2019-10-31. Review status: criteria provided, single submitter. Criteria: Invitae Variant Classification Sherloc (09022015). Collection method: clinical testing. Allele origin: germline.